The following is an entry in ClinVar:

ClinVar aggregate classification (germline): Uncertain significance. Review status: criteria provided, multiple submitters, no conflicts (2 of 4 stars). 4 submissions from 4 submitters: Uncertain significance (4). Last evaluated 2025-04-17.

Conditions:
TTN-related disorder. Also called: TTN-related condition; TTN-related disease; TTN-related disorders.
Early-onset myopathy with fatal cardiomyopathy (CMYO5). Also called: Salih Myopathy; CONGENITAL MYOPATHY 5 WITH CARDIOMYOPATHY. Identifiers: Orphanet 289377, MedGen C2673677, MONDO:0012714, OMIM 611705. Disease mechanism: loss of function.
Dilated cardiomyopathy 1G (CMD1G). Identifiers: Orphanet 154, MedGen C1858763, MONDO:0011400, OMIM 604145.
Autosomal recessive limb-girdle muscular dystrophy type 2J (LGMDR10). Also called: Limb-girdle muscular dystrophy, type 2J; MUSCULAR DYSTROPHY, LIMB-GIRDLE, AUTOSOMAL RECESSIVE 10. Identifiers: Orphanet 140922, MedGen C1837342, MONDO:0012127, OMIM 608807.
Tibial muscular dystrophy (TMD). Also called: Tibial muscular dystrophy, tardive; Udd Distal Myopathy – Tibial Muscular Dystrophy; UDD MYOPATHY. Identifiers: Orphanet 609, MedGen C1838244, MONDO:0010870, OMIM 600334.
Myopathy, myofibrillar, 9, with early respiratory failure (MFM9). Also called: Myopathy, distal, with early respiratory failure, autosomal dominant; MYOPATHY, PROXIMAL, WITH EARLY RESPIRATORY MUSCLE INVOLVEMENT; Hereditary myopathy with early respiratory failure; EDSTROM MYOPATHY. Identifiers: Orphanet 178464, Orphanet 34521, MedGen C1863599, MONDO:0011362, OMIM 603689.
Hypertrophic cardiomyopathy 9. Also called: Familial hypertrophic cardiomyopathy 9. Identifiers: MedGen C1861065, MONDO:0013412, OMIM 613765.

Allele frequency attached by ClinVar (database versions not stated): gnomAD 0.00003; TOPMed 0.00007; ESP Exome Variant Server 0.00008; gnomAD exomes 0.00011; ExAC 0.00014.

Submissions (4):

PreventionGenetics, part of Exact Sciences
Classification: Uncertain significance for TTN-related condition. Last evaluated: 2025-04-17. Review status: criteria provided, single submitter. Criteria: ACMG Guidelines, 2015. Collection method: clinical testing. Allele origin: germline.
Comment: The TTN c.15488G>A variant is predicted to result in the amino acid substitution p.Arg5163His. This variant is a missense alteration, c.15488G>A (p.Arg5163His), in an alternate transcript (NM_133379). To our knowledge, this variant has not been reported in the literature. This variant is reported in 0.11% of alleles in individuals of East Asian descent in gnomAD. Although we suspect that this variant may be benign, at this time, the clinical significance of this variant is uncertain due to the absence of conclusive functional and genetic evidence.

Fulgent Genetics
Classification: Uncertain significance for Tibial muscular dystrophy; Myopathy, myofibrillar, 9, with early respiratory failure; Dilated cardiomyopathy 1G; Autosomal recessive limb-girdle muscular dystrophy type 2J; Early-onset myopathy with fatal cardiomyopathy; Hypertrophic cardiomyopathy 9. Last evaluated: 2021-08-13. Review status: criteria provided, single submitter. Criteria: ACMG Guidelines, 2015. Collection method: clinical testing. Allele origin: unknown.

GeneDx
Classification: Uncertain significance. Last evaluated: 2014-04-09. Review status: criteria provided, single submitter. Criteria: GeneDx Variant Classification (06012015). Collection method: clinical testing. Allele origin: germline. Affected: yes.
Comment: Missense variants in the TTN gene are considered 'unclassified' if they are not previously reported in the literature and do not have >1% frequency in the population to be considered a polymorphism. Research indicates that truncating mutations in the TTN gene are expected to account for approximately 25% of familial and 18% of sporadic idiopathic DCM; however, truncating variants in the TTN gene have been reported in approximately 3% of reported control alleles. There has been little investigation into non-truncating variants. (Herman D et al. Truncations of titin causing dilated cardiomyopathy. N Eng J Med 366:619-628, 2012) The variant is found in CARDIOMYOPATHY panel(s).

Breakthrough Genomics
Classification: Uncertain significance. Review status: criteria provided, single submitter. Criteria: ACMG Guidelines, 2015. Collection method: not provided. Allele origin: germline. Inheritance: Autosomal recessive inheritance. Affected: yes.

NM_133379.5(TTN):c.15488G>A (p.Arg5163His)

Gene: TTN (titin; minus strand). Cytogenetic location: 2q31.2.
Variant type: single nucleotide variant.
Coding change: c.15488G>A on transcript NM_133379.5; coding-DNA position 15488, G replaced by A.
Protein change: p.Arg5163His; replaces arginine 5163 with histidine.
Molecular consequence: missense variant. On other transcripts: intron variant (6).
Genome position (GRCh38, 1-based): chr2:178,746,912, C>T on the plus strand (G>A on the coding strand, the complement: TTN is on the minus strand). VCF-style: chr2-178746912-C-T. GRCh37 (hg19) VCF-style: chr2-179611639-C-T.
Other names: p.R5163H:CGT>CAT; c.10223-4991G>A (NM_003319.4); c.10799-4991G>A (NM_133437.4); c.10598-4991G>A (NM_133432.3); c.10360+6212G>A (NM_133378.4); c.10361-4991G>A (NM_001256850.1); c.11312-4991G>A (NM_001267550.2); c.15488G>A (NM_133379.4); short protein forms R5163H.
Identifiers: ClinVar variation 203208 (VCV000203208.5), dbSNP rs150492317, ClinGen allele CA311683.